The following is an entry in ClinVar:

NM_017617.5(NOTCH1):c.2882C>T (p.Thr961Met)

Gene: NOTCH1 (notch receptor 1; minus strand). Cytogenetic location: 9q34.3.
Variant type: single nucleotide variant.
Coding change: c.2882C>T on transcript NM_017617.5 (MANE Select); coding-DNA position 2882, C replaced by T.
Protein change: p.Thr961Met; replaces threonine 961 with methionine.
Molecular consequence: missense variant.
Genome position (GRCh38, 1-based): chr9:136,509,820, G>A on the plus strand (C>T on the coding strand, the complement: NOTCH1 is on the minus strand). VCF-style: chr9-136509820-G-A. GRCh37 (hg19) VCF-style: chr9-139404272-G-A.
Other names: c.2882C>T, p.Thr961Met (LRG_1122t1); short protein forms T961M.
Identifiers: ClinVar variation 409076 (VCV000409076.16), dbSNP rs377343669, ClinGen allele CA5341125.

ClinVar aggregate classification (germline): Conflicting classifications of pathogenicity. Review status: criteria provided, conflicting classifications (1 of 4 stars). 6 submissions from 5 submitters: Uncertain significance (4); Benign (1); Likely benign (1). Last evaluated 2025-09-30.

Conditions:
Adams-Oliver syndrome 5 (AOS5). Identifiers: Orphanet 974, MedGen C4014970, MONDO:0014459, OMIM 616028.
Familial thoracic aortic aneurysm and aortic dissection (TAAD). Also called: Thoracic aortic aneurysms and dissections. Identifiers: Orphanet 91387, MedGen C4707243, MONDO:0019625.
Aortic valve disease 1 (AOVD1). Identifiers: MedGen C3887892, MONDO:0024523, OMIM 109730.

Allele frequency attached by ClinVar (database versions not stated): gnomAD 0.00001 and 0.00003; gnomAD exomes 0.00002 and 0.00004; TOPMed 0.00003; ExAC 0.00005; ESP Exome Variant Server 0.00008; 1000 Genomes Project 30x 0.00016; 1000 Genomes Project 0.00020.
gnomAD v4.1: 31 of 1,613,192 alleles (0.0019%); highest among the groups gnomAD compares: African/African-American, 0.0027%; no homozygotes.

Submissions (6):

Women's Health and Genetics/Laboratory Corporation of America, LabCorp
Classification: Likely benign. Last evaluated: 2025-09-30. Review status: criteria provided, single submitter. Criteria: LabCorp Variant Classification Summary - May 2015. Collection method: clinical testing. Allele origin: germline.
Comment: Variant summary: NOTCH1 c.2882C>T (p.Thr961Met) results in a non-conservative amino acid change in the encoded protein sequence. Algorithms developed to predict the effect of missense changes on protein structure and function all suggest that this variant is likely to be disruptive. The variant allele was found at a frequency of 4.4e-05 in 248790 control chromosomes. The observed variant frequency exceeds the estimated maximal expected allele frequency for disease-causing variants in NOTCH1. To our knowledge, no occurrence of c.2882C>T in individuals affected with NOTCH1-related conditions and no experimental evidence demonstrating its impact on protein function have been reported. ClinVar contains an entry for this variant (Variation ID: 409076). Based on the evidence outlined above, the variant was classified as likely benign.

Labcorp Genetics (formerly Invitae), Labcorp
Classification: Benign for Adams-Oliver syndrome 5. Last evaluated: 2025-09-08. Review status: criteria provided, single submitter. Criteria: Invitae Variant Classification Sherloc (09022015). Collection method: clinical testing. Allele origin: germline.

Ambry Genetics
Classification: Uncertain significance for Familial thoracic aortic aneurysm and aortic dissection. Last evaluated: 2025-05-15. Review status: criteria provided, single submitter. Criteria: Ambry Variant Classification Scheme 2023. Collection method: clinical testing. Allele origin: germline.
Comment: The p.T961M variant (also known as c.2882C>T), located in coding exon 18 of the NOTCH1 gene, results from a C to T substitution at nucleotide position 2882. The threonine at codon 961 is replaced by methionine, an amino acid with similar properties. This amino acid position is highly conserved in available vertebrate species. In addition, the in silico prediction for this alteration is inconclusive. Since supporting evidence is limited at this time, the clinical significance of this alteration remains unclear.

GeneDx
Classification: Uncertain significance. Last evaluated: 2022-11-30. Review status: criteria provided, single submitter. Criteria: GeneDx Variant Classification Process June 2021. Collection method: clinical testing. Allele origin: germline. Affected: yes.
Comment: In silico analysis supports that this missense variant has a deleterious effect on protein structure/function; Has not been previously published as pathogenic or benign to our knowledge

Genome-Nilou Lab
Classification: Uncertain significance for Adams-Oliver syndrome 5. Last evaluated: 2022-03-15. Review status: criteria provided, single submitter. Criteria: ACMG Guidelines, 2015. Collection method: clinical testing. Allele origin: germline. Affected: no.

Genome-Nilou Lab
Classification: Uncertain significance for Aortic valve disease 1. Last evaluated: 2022-03-15. Review status: criteria provided, single submitter. Criteria: ACMG Guidelines, 2015. Collection method: clinical testing. Allele origin: germline. Affected: no.